The following is an entry in ClinVar:

NM_002150.3(HPD):c.1016C>G (p.Pro339Arg)

Genes: HPD (4-hydroxyphenylpyruvate dioxygenase; minus strand), TIALD (transcript inducer of AURKA lysosomal degradation; plus strand). Cytogenetic location: 12q24.31.
Variant type: single nucleotide variant.
Coding change: c.1016C>G on transcript NM_002150.3 (MANE Select); coding-DNA position 1016, C replaced by G.
Protein change: p.Pro339Arg; replaces proline 339 with arginine.
Molecular consequence: missense variant.
Genome position (GRCh38, 1-based): chr12:121,839,987, G>C on the plus strand (C>G on the coding strand, the complement: HPD is on the minus strand). VCF-style: chr12-121839987-G-C. GRCh37 (hg19) VCF-style: chr12-122277893-G-C.
Other names: c.899C>G, p.Pro300Arg (NM_001171993.2); short protein forms P339R, P300R.
Identifiers: ClinVar variation 961805 (VCV000961805.10), dbSNP rs1877352949, ClinGen allele CA387008912.

ClinVar aggregate classification (germline): Uncertain significance (1 of 4 stars; one submission).

Conditions:
Tyrosinemia type III. Also called: Tyrosinemia type 3; 4-alpha hydroxyphenylpyruvic acid oxidase deficiency; 4-alpha hydroxyphenylpyruvate dioxygenase deficiency; 4-Hydroxyphenylpyruvate dioxygenase deficiency; 4-HYDROXYPHENYLPYRUVIC ACID OXIDASE DEFICIENCY. Identifiers: Orphanet 69723, MedGen C0268623, MONDO:0010162, OMIM 276710.
Hawkinsinuria. Identifiers: Orphanet 2118, MedGen C2931042, MONDO:0007700, OMIM 140350, HP:0034457.

Submission:

Labcorp Genetics (formerly Invitae), Labcorp
Classification: Uncertain significance for Tyrosinemia type III; Hawkinsinuria. Last evaluated: 2019-09-11. Review status: criteria provided, single submitter. Criteria: Invitae Variant Classification Sherloc (09022015). Collection method: clinical testing. Allele origin: germline.
Comment: In summary, the available evidence is currently insufficient to determine the role of this variant in disease. Therefore, it has been classified as a Variant of Uncertain Significance. Algorithms developed to predict the effect of missense changes on protein structure and function are either unavailable or do not agree on the potential impact of this missense change (SIFT: "Deleterious"; PolyPhen-2: "Probably Damaging"; Align-GVGD: "Class C0"). This variant has not been reported in the literature in individuals with HPD-related conditions. This variant is not present in population databases (ExAC no frequency). This sequence change replaces proline with arginine at codon 339 of the HPD protein (p.Pro339Arg). The proline residue is highly conserved and there is a moderate physicochemical difference between proline and arginine.